The following is an entry in ClinVar:

ClinVar aggregate classification (germline): Uncertain significance. Review status: criteria provided, multiple submitters, no conflicts (2 of 4 stars). 2 submissions from 2 submitters: Uncertain significance (2). Last evaluated 2026-06-01.

Conditions:
Congenital adrenal hypoplasia, X-linked (AHC). Also called: Isolated X-Linked Adrenal Hypoplasia Congenita; ADRENAL HYPOPLASIA, CONGENITAL, WITH HYPOGONADOTROPIC HYPOGONADISM; X-linked AHC; X-Linked Adrenal Hypoplasia Congenita. Identifiers: Orphanet 95702, MedGen C0342482, MONDO:0010264, OMIM 300200. Disease mechanism: loss of function.
46,XY sex reversal 2. Also called: 46,XY SEX REVERSAL, DAX1-RELATED; 46XY sex reversal 2, dosage-sensitive; NR0B1-Related 46,XY CGD; NR0B1-related 46,XY complete gonadal dysgenesis; Dosage-sensitive sex reversal. Identifiers: MedGen C1848296, MONDO:0010226, OMIM 300018.

Allele frequency attached by ClinVar (database versions not stated): TOPMed below 0.00001.

Submissions (2):

CeGaT Center for Human Genetics Tuebingen
Classification: Uncertain significance. Last evaluated: 2026-06-01. Review status: criteria provided, single submitter. Criteria: CeGaT Center For Human Genetics Tuebingen Variant Classification Criteria Version 2. Collection method: clinical testing. Allele origin: germline. Affected: yes. Observed: 1 variant allele.
Comment: NR0B1: PM2

Labcorp Genetics (formerly Invitae), Labcorp
Classification: Uncertain significance for Congenital adrenal hypoplasia, X-linked; 46,XY sex reversal 2. Last evaluated: 2023-07-12. Review status: criteria provided, single submitter. Criteria: Invitae Variant Classification Sherloc (09022015). Collection method: clinical testing. Allele origin: germline.
Comment: Advanced modeling of protein sequence and biophysical properties (such as structural, functional, and spatial information, amino acid conservation, physicochemical variation, residue mobility, and thermodynamic stability) has been performed at Invitae for this missense variant, however the output from this modeling did not meet the statistical confidence thresholds required to predict the impact of this variant on NR0B1 protein function. In summary, the available evidence is currently insufficient to determine the role of this variant in disease. Therefore, it has been classified as a Variant of Uncertain Significance. This variant has not been reported in the literature in individuals affected with NR0B1-related conditions. This sequence change replaces leucine, which is neutral and non-polar, with phenylalanine, which is neutral and non-polar, at codon 149 of the NR0B1 protein (p.Leu149Phe). This variant is present in population databases (no rsID available, gnomAD 0.004%).

NM_000475.5(NR0B1):c.447G>C (p.Leu149Phe)

Gene: NR0B1 (nuclear receptor subfamily 0 group B member 1; minus strand). Cytogenetic location: Xp21.2.
Variant type: single nucleotide variant.
Coding change: c.447G>C on transcript NM_000475.5 (MANE Select); coding-DNA position 447, G replaced by C.
Protein change: p.Leu149Phe; replaces leucine 149 with phenylalanine.
Molecular consequence: missense variant.
Genome position (GRCh38, 1-based): chrX:30,308,917, C>G on the plus strand (G>C on the coding strand, the complement: NR0B1 is on the minus strand). VCF-style: chrX-30308917-C-G. GRCh37 (hg19) VCF-style: chrX-30327034-C-G.
Other names: short protein forms L149F.
Identifiers: ClinVar variation 2938610 (VCV002938610.5), dbSNP rs1399028516, ClinGen allele CA412548737.